The following is an entry in ClinVar:

ClinVar aggregate classification (germline): Benign/Likely benign. Review status: criteria provided, multiple submitters, no conflicts (2 of 4 stars). 13 submissions from 13 submitters: Benign (2); Likely benign (9). 2 of the submissions do not count toward it. Last evaluated 2026-01-20.

Conditions:
Breast and/or ovarian cancer. Identifiers: MedGen CN221562.
Hereditary cancer-predisposing syndrome. Also called: Hereditary neoplastic syndrome; Tumor predisposition; Neoplastic Syndromes, Hereditary; Hereditary Cancer Syndrome. Identifiers: Orphanet 140162, MedGen C0027672, MeSH D009386, MONDO:0015356.
Familial cancer of breast. Also called: hereditary breast carcinoma; Hereditary breast cancer; BREAST CANCER, FAMILIAL. Identifiers: Orphanet 227535, MedGen C0346153, MONDO:0016419, OMIM 114480. Disease mechanism: loss of function.
Malignant tumor of breast. Also called: Malignant breast neoplasm; Cancer breast. Identifiers: MedGen C0006142, MONDO:0007254. Disease mechanism: loss of function.

Allele frequency attached by ClinVar (database versions not stated): ExAC 0.00003; gnomAD 0.00005; gnomAD exomes 0.00005 and 0.00013; TOPMed 0.00007; ESP Exome Variant Server 0.00015.
gnomAD v4.1: 191 of 1,614,076 alleles (0.012%); highest among the groups gnomAD compares: Non-Finnish European, 0.016%; no homozygotes.

Submissions (13):

Labcorp Genetics (formerly Invitae), Labcorp
Classification: Likely benign for Familial cancer of breast. Last evaluated: 2026-01-20. Review status: criteria provided, single submitter. Criteria: Invitae Variant Classification Sherloc (09022015). Collection method: clinical testing. Allele origin: germline.

Molecular Diagnostics Laboratory, Catalan Institute of Oncology
Classification: Likely benign for Hereditary cancer-predisposing syndrome. Last evaluated: 2025-05-18. Review status: criteria provided, single submitter. Criteria: ClinGen ACMG Specifications PALB2 V1.1.0. Collection method: clinical testing. Allele origin: germline.
Comment: BP4, BP7 c.2442G>A, located in exon 5 of the PALB2 gene, is predicted to result in no amino acid change, p.(Glu814=) (BP7). This variant is found in 13/268346 with a filter allele frequency of 0.005% at 95% confidence, within the European (non-Finnish) population in the gnomAD v2.1.1 database (non-cancer data set). ?The SpliceAI algorithm predicts no significant impact on splicing (BP4). To our knowledge, neither relevant clinical data nor well-stablished functional studies have been reported for this variant. It has been reported in the ClinVar database (1x benign, 7x likely benign). Based on the currently available information, c.2442G>A is classified as a likely benign variant according to ClinGen-PALB2 Guidelines version 1.1.

Center for Genomic Medicine, Rigshospitalet, Copenhagen University Hospital
Classification: Likely benign. Last evaluated: 2025-03-04. Review status: criteria provided, single submitter. Criteria: ACMG Guidelines, 2015. Collection method: clinical testing. Allele origin: germline.

Myriad Genetics, Inc.
Classification: Benign for Familial cancer of breast. Last evaluated: 2025-01-16. Review status: criteria provided, single submitter. Criteria: Myriad Autosomal Dominant, Autosomal Recessive and X-Linked Classification Criteria (2023). Collection method: clinical testing. Allele origin: unknown.
Comment: This variant is considered benign. This variant is a silent/synonymous amino acid change and it is not expected to impact splicing.

Blueprint Genetics
Classification: Likely benign. Last evaluated: 2024-08-21. Review status: criteria provided, single submitter. Criteria: ACMG Guidelines, 2015. Collection method: clinical testing. Allele origin: germline.

CHEO Genetics Diagnostic Laboratory, Children's Hospital of Eastern Ontario
Classification: Likely benign for Breast and/or ovarian cancer. Last evaluated: 2023-01-29. Review status: criteria provided, single submitter. Criteria: ACMG Guidelines, 2015. Collection method: clinical testing. Allele origin: germline.

Quest Diagnostics Nichols Institute San Juan Capistrano
Classification: Likely benign. Last evaluated: 2022-08-23. Review status: criteria provided, single submitter. Criteria: Quest Diagnostics criteria. Collection method: clinical testing. Allele origin: unknown.

Women's Health and Genetics/Laboratory Corporation of America, LabCorp
Classification: Likely benign. Last evaluated: 2021-01-08. Review status: criteria provided, single submitter. Criteria: LabCorp Variant Classification Summary - May 2015. Collection method: clinical testing. Allele origin: germline.

Color Diagnostics, LLC DBA Color Health
Classification: Likely benign for Hereditary cancer-predisposing syndrome. Last evaluated: 2015-12-14. Review status: criteria provided, single submitter. Criteria: ACMG Guidelines, 2015. Collection method: clinical testing. Allele origin: germline.

GeneDx
Classification: Benign. Last evaluated: 2014-08-08. Review status: criteria provided, single submitter. Criteria: GeneDx Variant Classification (06012015). Collection method: clinical testing. Allele origin: germline. Affected: yes.
Comment: This variant is considered likely benign or benign based on one or more of the following criteria: it is a conservative change, it occurs at a poorly conserved position in the protein, it is predicted to be benign by multiple in silico algorithms, and/or has population frequency not consistent with disease.

Ambry Genetics
Classification: Likely benign for Hereditary cancer-predisposing syndrome. Last evaluated: 2014-06-27. Review status: criteria provided, single submitter. Criteria: Ambry Variant Classification Scheme 2023. Collection method: clinical testing. Allele origin: germline.

Leiden Open Variation Database
Classification: Likely benign for Familial cancer of breast. Last evaluated: 2019-05-13. Review status: no assertion criteria provided. Collection method: curation. Allele origin: germline. Affected: yes. Not counted in ClinVar's aggregate classification.
Comment: Curators: Marc Tischkowitz, Arleen D. Auerbach. Submitter to LOVD: Marc Tischkowitz.

Department of Pathology and Laboratory Medicine, Sinai Health System
Classification: Likely benign for Malignant tumor of breast. Review status: no assertion criteria provided. Collection method: clinical testing. Allele origin: unknown. Affected: yes. Observed: 1 variant allele. Study: The Canadian Open Genetics Repository (COGR). Not counted in ClinVar's aggregate classification.
Comment: The PALB2 p.Glu814= variant was identified in 1 of 194 proband chromosomes (frequency: 0.01) from individuals or families with breast cancer (Ding 2011). The variant was also identified in dbSNP (ID: rs140776736) as â€šÃ„ÃºWith Likely benign alleleâ€šÃ„Ã¹, in ClinVar (classified as benign by GeneDx; as liklely benign by Ambry Genetics, Invitae, Color genomics; as uncertain significance by two clinical laboratories), Clinvitae, and LOVD 3.0 (as does not affect function). The variant was not identified in Cosmic, or the Zhejiang University Database. The variant was identified in control databases in 12 of 277244 chromosomes at a frequency of 0.00004 (Genome Aggregation Database Feb 27, 2017). The variant was observed in the following populations: African in 1 of 24038 chromosomes (freq: 0.00004), Latino in 1 of 34420 chromosomes (freq: 0.00003), and European in 10 of 126724 chromosomes (freq: 0.0001), while the variant was not observed in the Other, Ashkenazi Jewish, East Asian, Finnish, and South Asian populations. The p.Glu814= variant is not expected to have clinical significance because it does not result in a change of amino acid and is not located in a known consensus splice site. The variant occurs outside of the splicing consensus sequence and 1 of 5 in silico or computational prediction software programs (SpliceSiteFinder, MaxEntScan, NNSPLICE, GeneSplicer, HumanSpliceFinder) predict a greater than 10% difference in splicing. In summary, based on the above information, the clinical significance of this variant cannot be determined with certainty at this time although we would lean towards a more benign role for this variant. This variant is classified as likely benign.

Literature cited by the submitters: PubMed 20927582 (cited by 3 submitters); PubMed 20722467 (cited by Women's Health and Genetics/Laboratory Corporation of America, LabCorp).

NM_024675.4(PALB2):c.2442G>A (p.Glu814=)

Gene: PALB2 (partner and localizer of BRCA2; minus strand). Cytogenetic location: 16p12.2.
Variant type: single nucleotide variant.
Coding change: c.2442G>A on transcript NM_024675.4 (MANE Select); coding-DNA position 2442, G replaced by A.
Protein change: p.Glu814=; no amino-acid change (glutamic acid 814 retained).
Molecular consequence: synonymous variant.
Genome position (GRCh38, 1-based): chr16:23,629,712, C>T on the plus strand (G>A on the coding strand, the complement: PALB2 is on the minus strand). VCF-style: chr16-23629712-C-T. GRCh37 (hg19) VCF-style: chr16-23641033-C-T.
Other names: p.E814E:GAG>GAA.
Identifiers: ClinVar variation 126653 (VCV000126653.37), dbSNP rs140776736, ClinGen allele CA299674.